The following is an entry in ClinVar:

NM_006521.6(TFE3):c.1443G>C (p.Gly481=)

Gene: TFE3 (transcription factor binding to IGHM enhancer 3; minus strand). Cytogenetic location: Xp11.23.
Variant type: single nucleotide variant.
Coding change: c.1443G>C on transcript NM_006521.6 (MANE Select); coding-DNA position 1443, G replaced by C.
Protein change: p.Gly481=; no amino-acid change (glycine 481 retained).
Molecular consequence: synonymous variant.
Genome position (GRCh38, 1-based): chrX:49,030,443, C>G on the plus strand (G>C on the coding strand, the complement: TFE3 is on the minus strand). VCF-style: chrX-49030443-C-G. GRCh37 (hg19) VCF-style: chrX-48887954-C-G.
Other names: c.1128G>C, p.Gly376= (NM_001282142.2).
Identifiers: ClinVar variation 3389470 (VCV003389470.14).

ClinVar aggregate classification (germline): Likely benign (1 of 4 stars; one submission).

Submission:

CeGaT Center for Human Genetics Tuebingen
Classification: Likely benign. Last evaluated: 2024-10-01. Review status: criteria provided, single submitter. Criteria: CeGaT Center For Human Genetics Tuebingen Variant Classification Criteria Version 2. Collection method: clinical testing. Allele origin: germline. Affected: yes. Observed: 1 variant allele.
Comment: TFE3: BP4, BP7